The following is an entry in ClinVar:

ClinVar aggregate classification (germline): Uncertain significance (1 of 4 stars; one submission).

Conditions:
Cardiovascular phenotype. Identifiers: MedGen CN230736.

gnomAD v4.1: 3 of 1,614,144 alleles (0.00019%); highest among the groups gnomAD compares: Non-Finnish European, 0.00025%; no homozygotes.

Submission:

Ambry Genetics
Classification: Uncertain significance for Cardiovascular phenotype. Last evaluated: 2025-02-22. Review status: criteria provided, single submitter. Criteria: Ambry Variant Classification Scheme 2023. Collection method: clinical testing. Allele origin: germline.
Comment: The p.K288E variant (also known as c.862A>G), located in coding exon 7 of the SPRED1 gene, results from an A to G substitution at nucleotide position 862. The lysine at codon 288 is replaced by glutamic acid, an amino acid with similar properties. This amino acid position is conserved. In addition, this alteration is predicted to be deleterious by in silico analysis. Based on the available evidence, the clinical significance of this variant remains unclear.

NM_152594.3(SPRED1):c.862A>G (p.Lys288Glu)

Gene: SPRED1 (sprouty related EVH1 domain containing 1; plus strand). Cytogenetic location: 15q14.
Variant type: single nucleotide variant.
Coding change: c.862A>G on transcript NM_152594.3 (MANE Select); coding-DNA position 862, A replaced by G.
Protein change: p.Lys288Glu; replaces lysine 288 with glutamic acid.
Molecular consequence: missense variant.
Genome position (GRCh38, 1-based): chr15:38,351,191, A>G. VCF-style: chr15-38351191-A-G. GRCh37 (hg19) VCF-style: chr15-38643392-A-G.
Other names: short protein forms K288E.
Identifiers: ClinVar variation 3800928 (VCV003800928.1).
Genomic context (GRCh38, chr15:38,351,191, plus strand): 5'-AAAAATGACTTGGAAAGAGATGATGCTGATTCCAGTATTCAGTTTTCTAAACCAGACAGT[A>G]AAAAATCAGACTATCTGTACTCTTGTGGGGATGAGACTAAGTTAAGTTCACCCAAAGACT-3'
Protein context (NP_689807.1, residues 278-298): SSIQFSKPDS[Lys288Glu]KSDYLYSCGD